The following is an entry in ClinVar:

NM_001002294.3(FMO3):c.598del (p.Ala200fs)

Genes: FMO3 (flavin containing dimethylaniline monoxygenase 3; plus strand), LOC126805916 (BRD4-independent group 4 enhancer GRCh37_chr1:171076844-171078043; plus strand). Cytogenetic location: 1q24.3.
Variant type: Deletion.
Coding change: c.598del on transcript NM_001002294.3 (MANE Select); coding-DNA position 598, one base deleted (G; older notation c.598delG).
Protein change: p.Ala200fs; shifts the reading frame from alanine 200.
Molecular consequence: frameshift variant.
Genome position (GRCh38, 1-based): chr1:171,108,192, G deleted. VCF-style (leftmost placement, unchanged base first): chr1-171108191-TG-T. GRCh37 (hg19) VCF-style: chr1-171077332-TG-T.
Other names: c.538del, p.Ala180fs (NM_001319173.2); c.409del, p.Ala137fs (NM_001319174.2); c.598del, p.Ala200fs (NM_006894.6); short protein forms A137fs, A180fs, A200fs.
Identifiers: ClinVar variation 5015412 (VCV005015412.1).
Genomic context (GRCh38, chr1:171,108,191, plus strand): 5'-AGGTGTATTCAATGGAAAGCGTGTCCTGGTGGTTGGCCTGGGGAATTCGGGCTGTGATAT[TG>T]CCACAGAACTCAGCCGCACAGCAGAACAGGTACTACTCCCCGGGTACTCGGGTGACTCTC-3'

ClinVar aggregate classification (germline): Pathogenic (1 of 4 stars; one submission).

Conditions:
Trimethylaminuria (TMAU). Also called: FISH-ODOR SYNDROME; Fish malodor syndrome; Stale fish syndrome; TMAuria; Primary Trimethylaminuria. Identifiers: MedGen C0342739, MONDO:0011182, OMIM 602079, HP:0003614. Disease mechanism: loss of function.

Submission:

Myriad Genetics, Inc.
Classification: Pathogenic for Trimethylaminuria. Last evaluated: 2026-01-12. Review status: criteria provided, single submitter. Criteria: Myriad Autosomal Dominant, Autosomal Recessive and X-Linked Classification Criteria (2023). Collection method: clinical testing. Allele origin: unknown.
Comment: NM_001002294.2(FMO3):c.598delG(A200Pfs*12) is expected to be pathogenic in the context of primary trimethylaminuria. This variant is predicted to lead to an abnormal or absent protein product due to the creation of a premature termination codon in FMO3, a gene where loss-of-function variants are known to be pathogenic. Please note: this variant was assessed in the context of healthy population screening.